The following is an entry in ClinVar:

NM_001037131.3(AGAP1):c.2485G>A (p.Glu829Lys)

Gene: AGAP1 (ArfGAP with GTPase domain, ankyrin repeat and PH domain 1; plus strand). Cytogenetic location: 2q37.2.
Variant type: single nucleotide variant.
Coding change: c.2485G>A on transcript NM_001037131.3 (MANE Select); coding-DNA position 2485, G replaced by A.
Protein change: p.Glu829Lys; replaces glutamic acid 829 with lysine.
Molecular consequence: missense variant.
Genome position (GRCh38, 1-based): chr2:236,124,033, G>A. VCF-style: chr2-236124033-G-A. GRCh37 (hg19) VCF-style: chr2-237032677-G-A.
Other names: c.2485G>A (NM_001037131.2); c.2326G>A, p.Glu776Lys (NM_014914.5); short protein forms E776K, E829K.
Identifiers: ClinVar variation 2838872 (VCV002838872.4), dbSNP rs774221910, ClinGen allele CA2185306.

ClinVar aggregate classification (germline): Uncertain significance. Review status: criteria provided, multiple submitters, no conflicts (2 of 4 stars). 2 submissions from 2 submitters: Uncertain significance (2). Last evaluated 2025-01-23.

Allele frequency attached by ClinVar (database versions not stated): ExAC 0.00001; gnomAD 0.00001; gnomAD exomes 0.00001.
gnomAD v4.1: 12 of 1,613,870 alleles (0.00074%); highest among the groups gnomAD compares: Admixed American, 0.0033%; no homozygotes.

Submissions (2):

Ambry Genetics
Classification: Uncertain significance. Last evaluated: 2025-01-23. Review status: criteria provided, single submitter. Criteria: Ambry Variant Classification Scheme 2023. Collection method: clinical testing. Allele origin: germline.

Labcorp Genetics (formerly Invitae), Labcorp
Classification: Uncertain significance. Last evaluated: 2023-06-22. Review status: criteria provided, single submitter. Criteria: Invitae Variant Classification Sherloc (09022015). Collection method: clinical testing. Allele origin: germline.
Comment: In summary, the available evidence is currently insufficient to determine the role of this variant in disease. Therefore, it has been classified as a Variant of Uncertain Significance. An algorithm developed to predict the effect of missense changes on protein structure and function (PolyPhen-2) suggests that this variant is likely to be tolerated. This variant has not been reported in the literature in individuals affected with AGAP1-related conditions. This variant is present in population databases (rs774221910, gnomAD 0.003%). This sequence change replaces glutamic acid, which is acidic and polar, with lysine, which is basic and polar, at codon 776 of the AGAP1 protein (p.Glu776Lys).